The following is an entry in ClinVar:

ClinVar aggregate classification (germline): Uncertain significance (1 of 4 stars; one submission).

Conditions:
Charcot-Marie-Tooth disease type 4. Also called: Charcot-Marie-Tooth, Type 4; Charcot-Marie-Tooth disease, type IV. Identifiers: Orphanet 64749, MedGen C4082197, MONDO:0018995.

Allele frequency attached by ClinVar (database versions not stated): gnomAD exomes below 0.00001.

Submission:

Labcorp Genetics (formerly Invitae), Labcorp
Classification: Uncertain significance for Charcot-Marie-Tooth disease type 4. Last evaluated: 2022-08-18. Review status: criteria provided, single submitter. Criteria: Invitae Variant Classification Sherloc (09022015). Collection method: clinical testing. Allele origin: germline.
Comment: This sequence change replaces alanine, which is neutral and non-polar, with valine, which is neutral and non-polar, at codon 458 of the PRX protein (p.Ala458Val). This variant is not present in population databases (gnomAD no frequency). This variant has not been reported in the literature in individuals affected with PRX-related conditions. Algorithms developed to predict the effect of missense changes on protein structure and function output the following: SIFT: "Deleterious"; PolyPhen-2: "Possibly Damaging"; Align-GVGD: "Class C0". The valine amino acid residue is found in multiple mammalian species, which suggests that this missense change does not adversely affect protein function. In summary, the available evidence is currently insufficient to determine the role of this variant in disease. Therefore, it has been classified as a Variant of Uncertain Significance.

NM_181882.3(PRX):c.1373C>T (p.Ala458Val)

Gene: PRX (periaxin; minus strand). Cytogenetic location: 19q13.2.
Variant type: single nucleotide variant.
Coding change: c.1373C>T on transcript NM_181882.3 (MANE Select); coding-DNA position 1373, C replaced by T.
Protein change: p.Ala458Val; replaces alanine 458 with valine.
Molecular consequence: missense variant. On other transcripts: 3 prime UTR variant (1).
Genome position (GRCh38, 1-based): chr19:40,396,979, G>A on the plus strand (C>T on the coding strand, the complement: PRX is on the minus strand). VCF-style: chr19-40396979-G-A. GRCh37 (hg19) VCF-style: chr19-40902886-G-A.
Other names: c.1658C>T, p.Ala553Val (NM_001411127.1); c.*1578C>T (NM_020956.2); short protein forms A458V, A553V.
Identifiers: ClinVar variation 1716670 (VCV001716670.3), dbSNP rs2079445556, ClinGen allele CA405898521.